The following is an entry in ClinVar:

NM_000191.3(HMGCL):c.876+1G>C

Gene: HMGCL (3-hydroxy-3-methylglutaryl-CoA lyase; minus strand). Cytogenetic location: 1p36.11.
Variant type: single nucleotide variant.
Coding change: c.876+1G>C on transcript NM_000191.3 (MANE Select); the canonical splice donor site of the intron after coding-DNA position 876, G replaced by C.
Molecular consequence: splice donor variant.
Genome position (GRCh38, 1-based): chr1:23,804,399, C>G on the plus strand (G>C on the coding strand, the complement: HMGCL is on the minus strand). VCF-style: chr1-23804399-C-G. GRCh37 (hg19) VCF-style: chr1-24130889-C-G.
Other names: c.663+1G>C (NM_001166059.2).
Identifiers: ClinVar variation 930617 (VCV000930617.9), dbSNP rs779802353, ClinGen allele CA339020821.

ClinVar aggregate classification (germline): Pathogenic. Review status: criteria provided, multiple submitters, no conflicts (2 of 4 stars). 6 submissions from 6 submitters: Pathogenic (6). Last evaluated 2025-12-09.

Conditions:
Long chain 3-hydroxyacyl-CoA dehydrogenase deficiency. Also called: Deficiency of long-chain 3-hydroxyacyl-coenzyme A dehydrogenase; LCHAD Deficiency. Identifiers: Orphanet 5, MedGen C3711645, MONDO:0012173, OMIM 609016.
Deficiency of hydroxymethylglutaryl-CoA lyase (HMGCLD). Also called: HMGCL DEFICIENCY; HYDROXYMETHYLGLUTARIC ACIDURIA; Defect in leucine metabolism; 3-hydroxy-3-methylglutaric aciduria; HMG-CoA LYASE DEFICIENCY. Identifiers: Orphanet 20, MedGen C1533587, MONDO:0009520, OMIM 246450.

Allele frequency attached by ClinVar (database versions not stated): TOPMed below 0.00001.

Submissions (6):

Natera, Inc.
Classification: Pathogenic for Deficiency of long-chain 3-hydroxyacyl-coenzyme A dehydrogenase. Last evaluated: 2025-12-09. Review status: criteria provided, single submitter. Criteria: Natera Variant Classification Schema (03/2026). Collection method: clinical testing. Allele origin: germline.
Comment: The c.876+1G>C variant in HMGCL is a canonical splice donor site variant predicted to affect pre-mRNA splicing, which may result in an abnormal transcript and altered protein product. This variant is expected to result in nonsense mediated decay, truncation, or a dysfunctional protein product. This variant is rare in the general population with a frequency below the threshold expected for the associated phenotype(s). This variant has been observed in one or more individuals affected with the associated recessive disease, as either homozygous or compound heterozygous with a second variant (PMID: 28583327). Given the available evidence, this variant is classified as Pathogenic.

Fulgent Genetics
Classification: Pathogenic for Deficiency of hydroxymethylglutaryl-CoA lyase. Last evaluated: 2024-06-13. Review status: criteria provided, single submitter. Criteria: ACMG Guidelines, 2015. Collection method: clinical testing. Allele origin: germline.

Baylor Genetics
Classification: Pathogenic for Deficiency of hydroxymethylglutaryl-CoA lyase. Last evaluated: 2024-03-20. Review status: criteria provided, single submitter. Criteria: ACMG Guidelines, 2015. Collection method: clinical testing. Allele origin: unknown.

Genome-Nilou Lab
Classification: Pathogenic for Deficiency of hydroxymethylglutaryl-CoA lyase. Last evaluated: 2023-04-11. Review status: criteria provided, single submitter. Criteria: ACMG Guidelines, 2015. Collection method: clinical testing. Allele origin: germline. Affected: no.

Women's Health and Genetics/Laboratory Corporation of America, LabCorp
Classification: Pathogenic for Deficiency of hydroxymethylglutaryl-CoA lyase. Last evaluated: 2022-12-22. Review status: criteria provided, single submitter. Criteria: LabCorp Variant Classification Summary - May 2015. Collection method: clinical testing. Allele origin: germline.
Comment: Variant summary: HMGCL c.876+1G>C is located in a canonical splice-site and is predicted to affect mRNA splicing resulting in a significantly altered protein due to either exon skipping, shortening, or inclusion of intronic material. Several computational tools predict a significant impact on normal splicing: four predict the variant abolishes a 5' splicing donor site. At least one publication reports experimental evidence that this variant affects mRNA splicing (e.g. Buesa_1996). The variant was absent in 251382 control chromosomes. c.876+1G>C has been reported in the literature in multiple homozygous individuals affected with HMG-CoA Lyase Deficiency, with at least some of them noted to be deficient for HMGCL enzyme activity in fibroblasts (e.g. Buesa_1996, Grunert_2017, Santosa_2017). These data indicate that the variant is very likely to be associated with disease. One ClinVar submitter (evaluation after 2014) has cited the variant as pathogenic. Based on the evidence outlined above, the variant was classified as pathogenic.

Centre for Mendelian Genomics, University Medical Centre Ljubljana
Classification: Pathogenic for Deficiency of hydroxymethylglutaryl-CoA lyase. Last evaluated: 2019-05-17. Review status: criteria provided, single submitter. Criteria: ACMG Guidelines, 2015. Collection method: clinical testing. Allele origin: unknown. Affected: yes.
Comment: This variant was classified as: Pathogenic. The following ACMG criteria were applied in classifying this variant: PVS1,PM2,PP3.

Literature cited by the submitters: PubMed 28583327 (cited by Natera, Inc. and Women's Health and Genetics/Laboratory Corporation of America, LabCorp); PubMed 8978493 (cited by Women's Health and Genetics/Laboratory Corporation of America, LabCorp); PubMed 28220407 (cited by Women's Health and Genetics/Laboratory Corporation of America, LabCorp).